The following is an entry in ClinVar:

ClinVar aggregate classification (germline): Uncertain significance (1 of 4 stars; one submission).

Conditions:
Muscular dystrophy-dystroglycanopathy (congenital with brain and eye anomalies), type A, 7. Also called: WALKER-WARBURG SYNDROME OR MUSCLE-EYE-BRAIN DISEASE, ISPD-RELATED; Congenital muscular dystrophy-dystroglycanopathy with brain and eye anomalies, type A7. Identifiers: Orphanet 899, MedGen C3553330, MONDO:0013835, OMIM 614643.
Autosomal recessive limb-girdle muscular dystrophy type 2U. Also called: Muscular dystrophy-dystroglycanopathy (limb-girdle), type c, 7; MUSCULAR DYSTROPHY, LIMB-GIRDLE, TYPE 2U. Identifiers: Orphanet 352479, MedGen C5190987, MONDO:0014474, OMIM 616052.

Allele frequency attached by ClinVar (database versions not stated): gnomAD exomes below 0.00001 and 0.00001; ExAC 0.00001.
gnomAD v4.1: 4 of 1,612,236 alleles (0.00025%); highest among the groups gnomAD compares: Middle Eastern, 0.017%; no homozygotes.

Submission:

Labcorp Genetics (formerly Invitae), Labcorp
Classification: Uncertain significance for Muscular dystrophy-dystroglycanopathy (congenital with brain and eye anomalies), type A, 7; Autosomal recessive limb-girdle muscular dystrophy type 2U. Last evaluated: 2021-09-18. Review status: criteria provided, single submitter. Criteria: Invitae Variant Classification Sherloc (09022015). Collection method: clinical testing. Allele origin: germline.
Comment: This sequence change replaces arginine with glutamine at codon 268 of the ISPD protein (p.Arg268Gln). The arginine residue is moderately conserved and there is a small physicochemical difference between arginine and glutamine. This variant is present in population databases (rs757986706, ExAC 0.007%). This variant has not been reported in the literature in individuals affected with ISPD-related conditions. Algorithms developed to predict the effect of missense changes on protein structure and function output the following: SIFT: "Tolerated"; PolyPhen-2: "Benign"; Align-GVGD: "Class C0". The glutamine amino acid residue is found in multiple mammalian species, which suggests that this missense change does not adversely affect protein function. In summary, the available evidence is currently insufficient to determine the role of this variant in disease. Therefore, it has been classified as a Variant of Uncertain Significance.

NM_001101426.4(CRPPA):c.803G>A (p.Arg268Gln)

Gene: CRPPA (CDP-L-ribitol pyrophosphorylase A; minus strand). Cytogenetic location: 7p21.2.
Variant type: single nucleotide variant.
Coding change: c.803G>A on transcript NM_001101426.4 (MANE Select); coding-DNA position 803, G replaced by A.
Protein change: p.Arg268Gln; replaces arginine 268 with glutamine.
Molecular consequence: missense variant.
Genome position (GRCh38, 1-based): chr7:16,301,453, C>T on the plus strand (G>A on the coding strand, the complement: CRPPA is on the minus strand). VCF-style: chr7-16301453-C-T. GRCh37 (hg19) VCF-style: chr7-16341078-C-T.
Other names: c.653G>A, p.Arg218Gln (NM_001101417.4); c.698G>A, p.Arg233Gln (NM_001368197.1); short protein forms R218Q, R233Q, R268Q.
Identifiers: ClinVar variation 1680767 (VCV001680767.6), dbSNP rs757986706, ClinGen allele CA4169493.